The following is an entry in ClinVar:

NM_005045.4(RELN):c.6580T>C (p.Cys2194Arg)

Gene: RELN (reelin; minus strand). Cytogenetic location: 7q22.1.
Variant type: single nucleotide variant.
Coding change: c.6580T>C on transcript NM_005045.4 (MANE Select); coding-DNA position 6580, T replaced by C.
Protein change: p.Cys2194Arg; replaces cysteine 2194 with arginine.
Molecular consequence: missense variant.
Genome position (GRCh38, 1-based): chr7:103,542,822, A>G on the plus strand (T>C on the coding strand, the complement: RELN is on the minus strand). VCF-style: chr7-103542822-A-G. GRCh37 (hg19) VCF-style: chr7-103183269-A-G.
Other names: c.6580T>C, p.Cys2194Arg (NM_173054.3); short protein forms C2194R.
Identifiers: ClinVar variation 1921672 (VCV001921672.5), dbSNP rs761802241, ClinGen allele CA4420929.

ClinVar aggregate classification (germline): Uncertain significance (1 of 4 stars; one submission).

Conditions:
Familial temporal lobe epilepsy 7. Identifiers: Orphanet 101046, MedGen C4225327, MONDO:0014639, OMIM 616436.
Norman-Roberts syndrome (LIS2). Also called: Lissencephaly 2 (Norman-Roberts type). Identifiers: Orphanet 89844, MedGen C0796089, MONDO:0009760, OMIM 257320.

Allele frequency attached by ClinVar (database versions not stated): ExAC 0.00001; gnomAD exomes 0.00001; TOPMed 0.00001; gnomAD 0.00003.
gnomAD v4.1: 25 of 1,614,006 alleles (0.0015%); highest among the groups gnomAD compares: African/African-American, 0.008%; no homozygotes.

Submission:

Labcorp Genetics (formerly Invitae), Labcorp
Classification: Uncertain significance for Familial temporal lobe epilepsy 7; Norman-Roberts syndrome. Last evaluated: 2025-11-12. Review status: criteria provided, single submitter. Criteria: Invitae Variant Classification Sherloc (09022015). Collection method: clinical testing. Allele origin: germline.
Comment: This sequence change replaces cysteine, which is neutral and slightly polar, with arginine, which is basic and polar, at codon 2194 of the RELN protein (p.Cys2194Arg). This variant is present in population databases (rs761802241, gnomAD 0.0009%). This variant has not been reported in the literature in individuals affected with RELN-related conditions. ClinVar contains an entry for this variant (Variation ID: 1921672). Invitae Evidence Modeling of protein sequence and biophysical properties (such as structural, functional, and spatial information, amino acid conservation, physicochemical variation, residue mobility, and thermodynamic stability) indicates that this missense variant is not expected to disrupt RELN protein function with a negative predictive value of 80%. In summary, the available evidence is currently insufficient to determine the role of this variant in disease. Therefore, it has been classified as a Variant of Uncertain Significance.